The following is an entry in ClinVar:

NM_006030.4(CACNA2D2):c.2689C>G (p.Gln897Glu)

Genes: CACNA2D2 (calcium voltage-gated channel auxiliary subunit alpha2delta 2; minus strand), LOC101928965 (uncharacterized LOC101928965; plus strand), LOC127898564 (CYB561D2-LOC101928965; plus strand). Cytogenetic location: 3p21.31.
Variant type: single nucleotide variant.
Coding change: c.2689C>G on transcript NM_006030.4 (MANE Select); coding-DNA position 2689, C replaced by G.
Protein change: p.Gln897Glu; replaces glutamine 897 with glutamic acid.
Molecular consequence: missense variant. On other transcripts: non-coding transcript variant (1).
Genome position (GRCh38, 1-based): chr3:50,366,287, G>C on the plus strand (C>G on the coding strand, the complement: CACNA2D2 is on the minus strand). VCF-style: chr3-50366287-G-C. GRCh37 (hg19) VCF-style: chr3-50403718-G-C.
Other names: c.2689C>G, p.Gln897Glu (NM_001005505.3); c.2710C>G, p.Gln904Glu (NM_001174051.3); c.2482C>G, p.Gln828Glu (NM_001291101.1); c.2692C>G, p.Gln898Glu (NM_001410768.1); short protein forms Q828E, Q897E, Q898E, Q904E.
Identifiers: ClinVar variation 5016947 (VCV005016947.1).

ClinVar aggregate classification (germline): Uncertain significance (1 of 4 stars; one submission).

gnomAD v4.1: 1 of 1,614,092 alleles (0.000062%); highest among the groups gnomAD compares: African/African-American, 0.0013%; no homozygotes.

Submission:

GeneDx
Classification: Uncertain significance. Last evaluated: 2026-03-18. Review status: criteria provided, single submitter. Criteria: GeneDx Variant Classification Process June 2021. Collection method: clinical testing. Allele origin: germline.
Comment: Not observed at significant frequency in large population cohorts (gnomAD); In silico analysis suggests that this missense variant does not alter protein structure/function; Has not been previously published as pathogenic or benign to our knowledge